The following is an entry in ClinVar:

NM_001458.5(FLNC):c.4303G>T (p.Val1435Leu)

Gene: FLNC (filamin C; plus strand). Cytogenetic location: 7q32.1.
Variant type: single nucleotide variant.
Coding change: c.4303G>T on transcript NM_001458.5 (MANE Select); coding-DNA position 4303, G replaced by T.
Protein change: p.Val1435Leu; replaces valine 1435 with leucine.
Molecular consequence: missense variant.
Genome position (GRCh38, 1-based): chr7:128,847,711, G>T. VCF-style: chr7-128847711-G-T. GRCh37 (hg19) VCF-style: chr7-128487765-G-T.
Other names: c.4303G>T, p.Val1435Leu (NM_001127487.2); short protein forms V1435L.
Identifiers: ClinVar variation 4812515 (VCV004812515.1).

ClinVar aggregate classification (germline): Uncertain significance (1 of 4 stars; one submission).

Conditions:
Hypertrophic cardiomyopathy 26. Also called: Cardiomyopathy, familial hypertrophic, 26. Identifiers: Orphanet 75249, MedGen C4310749, MONDO:0014883, OMIM 617047.
Myofibrillar myopathy 5. Also called: Filaminopathy (type); FILAMINOPATHY, AUTOSOMAL DOMINANT. Identifiers: Orphanet 171445, MedGen C1836050, MONDO:0012289, OMIM 609524.
Distal myopathy with posterior leg and anterior hand involvement. Also called: WILLIAMS DISTAL MYOPATHY. Identifiers: Orphanet 63273, MedGen C3279722, MONDO:0013550, OMIM 614065.

Submission:

Labcorp Genetics (formerly Invitae), Labcorp
Classification: Uncertain significance for Distal myopathy with posterior leg and anterior hand involvement; Myofibrillar myopathy 5; Hypertrophic cardiomyopathy 26. Last evaluated: 2025-10-01. Review status: criteria provided, single submitter. Criteria: Invitae Variant Classification Sherloc (09022015). Collection method: clinical testing. Allele origin: germline.
Comment: This sequence change replaces valine, which is neutral and non-polar, with leucine, which is neutral and non-polar, at codon 1435 of the FLNC protein (p.Val1435Leu). This variant is not present in population databases (gnomAD no frequency). This variant has not been reported in the literature in individuals affected with FLNC-related conditions. Invitae Evidence Modeling of protein sequence and biophysical properties (such as structural, functional, and spatial information, amino acid conservation, physicochemical variation, residue mobility, and thermodynamic stability) has been performed for this missense variant. However, the output from this modeling did not meet the statistical confidence thresholds required to predict the impact of this variant on FLNC protein function. In summary, the available evidence is currently insufficient to determine the role of this variant in disease. Therefore, it has been classified as a Variant of Uncertain Significance.